The following is an entry in ClinVar:

ClinVar aggregate classification (germline): Conflicting classifications of pathogenicity. Review status: criteria provided, conflicting classifications (1 of 4 stars). 16 submissions from 11 submitters: Likely pathogenic (1); Benign (11). 4 of the submissions do not count toward it. Last evaluated 2026-02-04.

Conditions:
Inherited obesity. Also called: Monogenic Obesity. Identifiers: Orphanet 77828, MedGen C4054476, MONDO:0019182, OMIM 601665.
Arterial calcification, generalized, of infancy, 1 (GACI1). Also called: Idiopathic Infantile Arterial Calcification. Identifiers: Orphanet 51608, MedGen C4551985, MONDO:0008817, OMIM 208000.
Hypopigmentation-punctate palmoplantar keratoderma syndrome. Also called: Cole disease; GUTTATE HYPOPIGMENTATION AND PUNCTATE PALMOPLANTAR KERATODERMA WITH OR WITHOUT ECTOPIC CALCIFICATION. Identifiers: Orphanet 324561, MedGen C3809781, MONDO:0014227, OMIM 615522.
Hypophosphatemic rickets, autosomal recessive, 2 (ARHR2). Identifiers: Orphanet 289176, MedGen C2750078, MONDO:0013219, OMIM 613312.
Type 2 diabetes mellitus. Also called: Type II diabetes mellitus. Identifiers: MedGen C0011860, MeSH D003924, MONDO:0005148, OMIM 125853, HP:0005978.
ENPP1-related disorder. Also called: ENPP1-related disorders; ENPP1-related condition.
Hypophosphatemic rickets. Identifiers: MedGen C1704375, MeSH D063730, MONDO:0024300, HP:0004912.
Diabetes mellitus type 2, susceptibility to. Identifiers: MedGen C3837967.
Obesity. Also called: Obesity disorder. Identifiers: Orphanet 71529, MedGen C0028754, MeSH D009765, MONDO:0011122, HP:0001513.
Insulin resistance, susceptibility to. Identifiers: MedGen C1852091.

Allele frequency attached by ClinVar (database versions not stated): TOPMed 0.35603; ExAC 0.20631; 1000 Genomes Project 30x 0.35681; gnomAD exomes 0.19484; gnomAD 0.32168; 1000 Genomes Project 0.34225.
gnomAD v4.1: 286,112 of 1,613,790 alleles (18%); highest among the groups gnomAD compares: African/African-American, 79%; 41,008 homozygotes.

Submissions (16):

Labcorp Genetics (formerly Invitae), Labcorp
Classification: Benign. Last evaluated: 2026-02-04. Review status: criteria provided, single submitter. Criteria: Invitae Variant Classification Sherloc (09022015). Collection method: clinical testing. Allele origin: germline.

Blueprint Genetics
Classification: Benign. Last evaluated: 2024-11-27. Review status: criteria provided, single submitter. Criteria: ACMG Guidelines, 2015. Collection method: clinical testing. Allele origin: germline.

Department of Pathology and Laboratory Medicine, Sinai Health System
Classification: Benign for Type 2 diabetes mellitus; Arterial calcification, generalized, of infancy, 1; Inherited obesity; Hypophosphatemic rickets, autosomal recessive, 2; Hypopigmentation-punctate palmoplantar keratoderma syndrome. Last evaluated: 2023-04-17. Review status: criteria provided, single submitter. Criteria: ACMG Guidelines, 2015. Collection method: research. Allele origin: germline.

Mayo Clinic Laboratories, Mayo Clinic
Classification: Benign. Last evaluated: 2022-10-04. Review status: criteria provided, single submitter. Criteria: ACMG Guidelines, 2015. Collection method: clinical testing. Allele origin: germline. Observed: 87 variant alleles.
Comment: BS1, BS2, BP4

Laboratory of Cyto-molecular Genetics, Department of Anatomy, All India Institute of Medical Sciences (AIIMS), New Delhi
Classification: Likely pathogenic for Hypophosphatemic rickets. Last evaluated: 2022-03-07. Review status: criteria provided, single submitter. Criteria: ACMG Guidelines, 2015. Collection method: clinical testing. Allele origin: germline. Affected: yes. Observed: 2 variant alleles.
Comment: p.(Lys173Gln), missense variant

Genome-Nilou Lab
Classification: Benign for Arterial calcification, generalized, of infancy, 1. Last evaluated: 2021-07-30. Review status: criteria provided, single submitter. Criteria: ACMG Guidelines, 2015. Collection method: clinical testing. Allele origin: germline. Affected: no.

Genome-Nilou Lab
Classification: Benign for Hypopigmentation-punctate palmoplantar keratoderma syndrome. Last evaluated: 2021-07-30. Review status: criteria provided, single submitter. Criteria: ACMG Guidelines, 2015. Collection method: clinical testing. Allele origin: germline. Affected: no.

Genome-Nilou Lab
Classification: Benign for Hypophosphatemic rickets, autosomal recessive, 2. Last evaluated: 2021-07-30. Review status: criteria provided, single submitter. Criteria: ACMG Guidelines, 2015. Collection method: clinical testing. Allele origin: germline. Affected: no.

Illumina Laboratory Services, Illumina
Classification: Benign for Arterial calcification, generalized, of infancy, 1. Last evaluated: 2017-04-27. Review status: criteria provided, single submitter. Criteria: ICSL Variant Classification Criteria 13 December 2019. Collection method: clinical testing. Allele origin: germline.
Comment: This variant was observed as part of a predisposition screen in an ostensibly healthy population. A literature search was performed for the gene, cDNA change, and amino acid change (where applicable). Publications were found based on this search. The evidence from the literature, in combination with allele frequency data from public databases where available, was sufficient to rule this variant out of causing disease. Therefore, this variant is classified as benign.

Illumina Laboratory Services, Illumina
Classification: Benign for Hypophosphatemic rickets, autosomal recessive, 2. Last evaluated: 2017-04-27. Review status: criteria provided, single submitter. Criteria: ICSL Variant Classification Criteria 13 December 2019. Collection method: clinical testing. Allele origin: germline.
Comment: This variant was observed as part of a predisposition screen in an ostensibly healthy population. A literature search was performed for the gene, cDNA change, and amino acid change (where applicable). No publications were found based on this search. Allele frequency data from public databases was too high to be consistent with this variant causing disease. Therefore, this variant is classified as benign.

Eurofins Ntd Llc (ga)
Classification: Benign. Last evaluated: 2015-04-24. Review status: criteria provided, single submitter. Criteria: EGL Classification Definitions 2015. Collection method: clinical testing. Allele origin: germline. Observed: 1 variant allele, 1 homozygote.

Clinical Genomics, Uppaluri K&H Personalized Medicine Clinic
Classification: Benign for Type 2 diabetes mellitus. Review status: criteria provided, single submitter. Criteria: K&H Uppaluri Personalized Medicine Clinic Variant Classification & Assertion Criteria. Collection method: research. Allele origin: somatic. Inheritance: Autosomal dominant inheritance. Affected: yes.
Comment: rs1044498 of ENPP1 is associated with type 2 diabetes mellitus and increased insulin resistance. It is also associated with calcification of coronary artery disease, increasing the chances of macrovascular complications in diabetes.

OMIM
No classification provided. Condition: INSULIN RESISTANCE, SUSCEPTIBILITY TO. Last evaluated: 2025-05-23. Review status: no classification provided. Collection method: literature only. Allele origin: germline. Not counted in ClinVar's aggregate classification.

PreventionGenetics, part of Exact Sciences
Classification: Benign for ENPP1-related condition. Last evaluated: 2020-04-23. Review status: no assertion criteria provided. Collection method: clinical testing. Allele origin: germline. Not counted in ClinVar's aggregate classification.
Comment: This variant is classified as benign based on ACMG/AMP sequence variant interpretation guidelines (Richards et al. 2015 PMID: 25741868, with internal and published modifications).

OMIM
Classification: risk factor for OBESITY, SUSCEPTIBILITY TO. Last evaluated: 2006-12-01. Review status: no assertion criteria provided. Collection method: literature only. Allele origin: germline. Not counted in ClinVar's aggregate classification.

OMIM
Classification: risk factor for TYPE 2 DIABETES MELLITUS, SUSCEPTIBILITY TO. Last evaluated: 2006-12-01. Review status: no assertion criteria provided. Collection method: literature only. Allele origin: germline. Not counted in ClinVar's aggregate classification.

Literature cited by the submitters: PubMed 35738466 (cited by Laboratory of Cyto-molecular Genetics, Department of Anatomy, All India Institute of Medical Sciences (AIIMS), New Delhi); PubMed 10480624 (cited by Illumina Laboratory Services, Illumina and OMIM); PubMed 18950909 (cited by Clinical Genomics, Uppaluri K&H Personalized Medicine Clinic); PubMed 20981035 (cited by Clinical Genomics, Uppaluri K&H Personalized Medicine Clinic); PubMed 29979387 (cited by Clinical Genomics, Uppaluri K&H Personalized Medicine Clinic); PubMed 27238374 (cited by Clinical Genomics, Uppaluri K&H Personalized Medicine Clinic); PubMed 11739459 (cited by OMIM); PubMed 14671192 (cited by OMIM); PubMed 15001634 (cited by OMIM); PubMed 15126519 (cited by OMIM); PubMed 16025115 (cited by OMIM); PubMed 14988267 (cited by OMIM); PubMed 16968801 (cited by OMIM); PubMed 16607460 (cited by OMIM).

NM_006208.3(ENPP1):c.517A>C (p.Lys173Gln)

Gene: ENPP1 (ectonucleotide pyrophosphatase/phosphodiesterase 1; plus strand). Cytogenetic location: 6q23.2.
Variant type: single nucleotide variant.
Coding change: c.517A>C on transcript NM_006208.3 (MANE Select); coding-DNA position 517, A replaced by C.
Protein change: p.Lys173Gln; replaces lysine 173 with glutamine.
Molecular consequence: missense variant.
Genome position (GRCh38, 1-based): chr6:131,851,228, A>C. VCF-style: chr6-131851228-A-C. GRCh37 (hg19) VCF-style: chr6-132172368-A-C.
Other names: K121Q; short protein forms K173Q.
Identifiers: ClinVar variation 13589 (VCV000013589.31), dbSNP rs1044498, ClinGen allele CA123287.